The following is an entry in ClinVar:

NM_198904.4(GABRG2):c.917C>A (p.Ser306Tyr)

Gene: GABRG2 (gamma-aminobutyric acid type A receptor subunit gamma2; plus strand). Cytogenetic location: 5q34.
Variant type: single nucleotide variant.
Coding change: c.917C>A on transcript NM_198904.4 (MANE Select); coding-DNA position 917, C replaced by A.
Protein change: p.Ser306Tyr; replaces serine 306 with tyrosine.
Molecular consequence: missense variant.
Genome position (GRCh38, 1-based): chr5:162,142,311, C>A. VCF-style: chr5-162142311-C-A. GRCh37 (hg19) VCF-style: chr5-161569317-C-A.
Other names: c.917C>A, p.Ser306Tyr (NM_000816.3, NM_001375340.1); c.908C>A, p.Ser303Tyr (NM_001375339.1); c.914C>A, p.Ser305Tyr (NM_001375341.1, NM_001375342.1); c.1037C>A, p.Ser346Tyr (NM_001375343.1, NM_198903.2); c.956C>A, p.Ser319Tyr (NM_001375344.1); c.851C>A, p.Ser284Tyr (NM_001375345.1, NM_001375346.1); c.830C>A, p.Ser277Tyr (NM_001375347.1); c.497C>A, p.Ser166Tyr (NM_001375348.1, NM_001375350.1); and 1 more; short protein forms S211Y, S277Y, S306Y, S284Y, S305Y, S319Y, S166Y, S303Y.
Identifiers: ClinVar variation 1766063 (VCV001766063.2), dbSNP rs2113599212, ClinGen allele CA362182272.

ClinVar aggregate classification (germline): Likely pathogenic (1 of 4 stars; one submission).

Conditions:
Inborn genetic diseases. Identifiers: MedGen C0950123, MeSH D030342.

Submission:

Ambry Genetics
Classification: Likely pathogenic for Inborn genetic diseases. Last evaluated: 2018-11-12. Review status: criteria provided, single submitter. Criteria: Ambry Variant Classification Scheme 2023. Collection method: clinical testing. Allele origin: germline.
Comment: The p.S306Y variant (also known as c.917C>A), located in coding exon 7 of the GABRG2 gene, results from a C to A substitution at nucleotide position 917. The serine at codon 306 is replaced by tyrosine, an amino acid with dissimilar properties. This variant was not reported in population-based cohorts in the Genome Aggregation Database (gnomAD). This amino acid position is highly conserved through mammals but not in all available vertebrate species. In addition, this alteration is predicted to be deleterious by in silico analysis. Furthermore, based on internal structural analysis, this variant is more disruptive than known remote pathogenic variants (Zhu S et al. Nature, 2018 Jul;559:67-72). Based on the majority of available evidence to date, this variant is likely to be pathogenic.

Literature cited by the submitters: PubMed 29950725.